The following is an entry in ClinVar:

ClinVar aggregate classification (germline): Pathogenic (1 of 4 stars; one submission).

Conditions:
Cornelia de Lange syndrome 1 (CDLS1). Also called: Brachmann de Lange syndrome; TYPUS DEGENERATIVUS AMSTELODAMENSIS; NIPBL-Related Cornelia de Lange Syndrome. Identifiers: Orphanet 199, MedGen C4551851, MONDO:0007387, OMIM 122470.

Submission:

Labcorp Genetics (formerly Invitae), Labcorp
Classification: Pathogenic for Cornelia de Lange syndrome 1. Last evaluated: 2023-07-12. Review status: criteria provided, single submitter. Criteria: Invitae Variant Classification Sherloc (09022015). Collection method: clinical testing. Allele origin: germline.
Comment: This sequence change creates a premature translational stop signal (p.His7Metfs*17) in the NIPBL gene. It is expected to result in an absent or disrupted protein product. Loss-of-function variants in NIPBL are known to be pathogenic (PMID: 15318302, 19763162, 23505322, 29995837). Information on the frequency of this variant in the gnomAD database is not available, as this variant may be reported differently in the database. This variant has not been reported in the literature in individuals affected with NIPBL-related conditions. For these reasons, this variant has been classified as Pathogenic.

Literature cited by the submitters: PubMed 15318302; PubMed 19763162; PubMed 23505322; PubMed 29995837.

NM_133433.4(NIPBL):c.19del (p.His7fs)

Gene: NIPBL (NIPBL cohesin loading factor; plus strand). Cytogenetic location: 5p13.2.
Variant type: Deletion.
Coding change: c.19del on transcript NM_133433.4 (MANE Select); coding-DNA position 19, one base deleted (C; older notation c.19delC).
Protein change: p.His7fs; shifts the reading frame from histidine 7.
Molecular consequence: frameshift variant.
Genome position (GRCh38, 1-based): chr5:36,953,715, C deleted; the last of 4 consecutive C bases (chr5:36,953,712-36,953,715); deleting any one gives the same sequence. VCF-style (leftmost placement, unchanged base first): chr5-36953711-GC-G. GRCh37 (hg19) VCF-style: chr5-36953813-GC-G.
Other names: c.19del, p.His7fs (NM_015384.5); short protein forms H7fs.
Identifiers: ClinVar variation 2742379 (VCV002742379.3), dbSNP rs2478976928, ClinGen allele CA2697547118.